The following is an entry in ClinVar:

ClinVar aggregate classification (germline): Uncertain significance. Review status: criteria provided, multiple submitters, no conflicts (2 of 4 stars). 3 submissions from 3 submitters: Uncertain significance (3). Last evaluated 2025-10-01.

Conditions:
Cardiovascular phenotype. Identifiers: MedGen CN230736.
Sitosterolemia (STSL). Also called: PHYTOSTEROLEMIA. Identifiers: Orphanet 2882, MedGen C0342907, MONDO:0008863.
Sitosterolemia 2. Identifiers: MedGen C5231453, MONDO:0020748, OMIM 618666.

Allele frequency attached by ClinVar (database versions not stated): ExAC 0.00003; gnomAD exomes 0.00005; ESP Exome Variant Server 0.00008; gnomAD 0.00001.
gnomAD v4.1: 54 of 1,614,062 alleles (0.0033%); highest among the groups gnomAD compares: Middle Eastern, 0.016%; no homozygotes.

Submissions (3):

Labcorp Genetics (formerly Invitae), Labcorp
Classification: Uncertain significance for Sitosterolemia. Last evaluated: 2025-10-01. Review status: criteria provided, single submitter. Criteria: Invitae Variant Classification Sherloc (09022015). Collection method: clinical testing. Allele origin: germline.
Comment: This sequence change replaces threonine, which is neutral and polar, with methionine, which is neutral and non-polar, at codon 350 of the ABCG5 protein (p.Thr350Met). This variant is present in population databases (rs148131742, gnomAD 0.02%). This variant has not been reported in the literature in individuals affected with ABCG5-related conditions. ClinVar contains an entry for this variant (Variation ID: 1355767). An algorithm developed to predict the effect of missense changes on protein structure and function (PolyPhen-2) suggests that this variant is likely to be tolerated. In summary, the available evidence is currently insufficient to determine the role of this variant in disease. Therefore, it has been classified as a Variant of Uncertain Significance.

Ambry Genetics
Classification: Uncertain significance for Cardiovascular phenotype. Last evaluated: 2024-01-27. Review status: criteria provided, single submitter. Criteria: Ambry Variant Classification Scheme 2023. Collection method: clinical testing. Allele origin: germline.
Comment: The p.T350M variant (also known as c.1049C>T), located in coding exon 8 of the ABCG5 gene, results from a C to T substitution at nucleotide position 1049. The threonine at codon 350 is replaced by methionine, an amino acid with similar properties. This amino acid position is conserved. In addition, this alteration is predicted to be tolerated by in silico analysis. Since supporting evidence is limited at this time, the clinical significance of this alteration remains unclear.

Revvity Omics, Revvity
Classification: Uncertain significance for Sitosterolemia 2. Last evaluated: 2023-01-09. Review status: criteria provided, single submitter. Criteria: ACMG Guidelines, 2015. Collection method: clinical testing. Allele origin: germline.

NM_022436.3(ABCG5):c.1049C>T (p.Thr350Met)

Genes: ABCG5 (ATP binding cassette subfamily G member 5; minus strand), DYNC2LI1 (dynein cytoplasmic 2 light intermediate chain 1; plus strand). Cytogenetic location: 2p21.
Variant type: single nucleotide variant.
Coding change: c.1049C>T on transcript NM_022436.3 (MANE Select); coding-DNA position 1049, C replaced by T.
Protein change: p.Thr350Met; replaces threonine 350 with methionine.
Molecular consequence: missense variant. On other transcripts: intron variant (2).
Genome position (GRCh38, 1-based): chr2:43,824,288, G>A on the plus strand (C>T on the coding strand, the complement: ABCG5 is on the minus strand). VCF-style: chr2-43824288-G-A. GRCh37 (hg19) VCF-style: chr2-44051427-G-A.
Other names: c.*16-3098G>A (NM_001348913.2, NM_001348912.2); short protein forms T350M.
Identifiers: ClinVar variation 1355767 (VCV001355767.10), dbSNP rs148131742, ClinGen allele CA1636421.